The following is an entry in ClinVar:

NM_016203.4(PRKAG2):c.1006-168A>G

Gene: PRKAG2 (protein kinase AMP-activated non-catalytic subunit gamma 2; minus strand). Cytogenetic location: 7q36.1.
Variant type: single nucleotide variant.
Coding change: c.1006-168A>G on transcript NM_016203.4 (MANE Select); 168 bases into the intron before coding-DNA position 1006, A replaced by G.
Molecular consequence: intron variant.
Genome position (GRCh38, 1-based): chr7:151,572,877, T>C on the plus strand (A>G on the coding strand, the complement: PRKAG2 is on the minus strand). VCF-style: chr7-151572877-T-C. GRCh37 (hg19) VCF-style: chr7-151269963-T-C.
Other names: c.874-168A>G (NM_001040633.2); c.631-168A>G (NM_001304527.2); c.634-168A>G (NM_001363698.2); c.283-168A>G (NM_001304531.2, NM_024429.2).
Identifiers: ClinVar variation 674273 (VCV000674273.1), dbSNP rs112864625, ClinGen allele CA12601188.
Genomic context (GRCh38, chr7:151,572,877, plus strand): 5'-TTAGAAAATGAGGCGGCCAGGTGCGGTTGCTCATGCCTGTAATCTCAGCACTTTGGGAGA[T>C]CAAGGTGGGCAGATCACCTGAGGTCAGGAGTTTGAGACCAGCCTGGCCAACATGGTGAGA-3'

ClinVar aggregate classification (germline): Benign (1 of 4 stars; one submission).

Allele frequency attached by ClinVar (database versions not stated): 1000 Genomes Project 0.11981; 1000 Genomes Project 30x 0.12430; TOPMed 0.15171.
gnomAD v4.1: 22,172 of 152,050 alleles (15%); highest among the groups gnomAD compares: African/African-American, 18%; 1,733 homozygotes.

Submission:

GeneDx
Classification: Benign. Last evaluated: 2018-06-19. Review status: criteria provided, single submitter. Criteria: GeneDx Variant Classification (06012015). Collection method: clinical testing. Allele origin: germline. Affected: yes.
Comment: This variant is considered likely benign or benign based on one or more of the following criteria: it is a conservative change, it occurs at a poorly conserved position in the protein, it is predicted to be benign by multiple in silico algorithms, and/or has population frequency not consistent with disease.